The following is an entry in ClinVar:

ClinVar aggregate classification (germline): Pathogenic (1 of 4 stars; one submission).

Conditions:
Ataxia-telangiectasia syndrome (AT). Also called: Ataxia-telangiectasia; LOUIS-BAR SYNDROME; Ataxia-telangiectasia, complementation group D; AT, COMPLEMENTATION GROUP C; ATAXIA-TELANGIECTASIA, COMPLEMENTATION GROUP A; ATAXIA-TELANGIECTASIA, FRESNO VARIANT. Identifiers: Orphanet 100, MedGen C0004135, MONDO:0008840, OMIM 208900.

Submission:

3billion
Classification: Pathogenic for Ataxia-telangiectasia syndrome. Last evaluated: 2021-10-02. Review status: criteria provided, single submitter. Criteria: ACMG Guidelines, 2015. Collection method: clinical testing. Allele origin: maternal. Affected: yes. Observed: 1 heterozygote.
Comment: Frameshift: predicted to result in a loss or disruption of normal protein function through nonsense-mediated decay (NMD) or protein truncation. Multiple pathogenic variants are reported downstream of the variant (PVS1_VS). It is not observed in the gnomAD v2.1.1 dataset (PM2). The variant was observed in trans with a pathogenic variant (NM_000051.3: c.3024_3025del) as compound heterozygous (3billion dataset, PM3). Therefore, this variant is classified as pathogenic according to the recommendation of ACMG/AMP guideline.

NM_000051.4(ATM):c.8464_8467del (p.Asp2822fs)

Genes: ATM (ATM serine/threonine kinase; plus strand), C11orf65 (chromosome 11 open reading frame 65; minus strand). Cytogenetic location: 11q22.3.
Variant type: Deletion.
Coding change: c.8464_8467del on transcript NM_000051.4 (MANE Select); coding-DNA positions 8464 to 8467, 4 bases deleted (GATG; older notation c.8464_8467delGATG).
Protein change: p.Asp2822fs; shifts the reading frame from aspartic acid 2822.
Molecular consequence: frameshift variant. On other transcripts: intron variant (2).
Genome position (GRCh38, 1-based): chr11:108,345,788-108,345,791, GATG deleted; deleting any 4 consecutive bases within chr11:108,345,785-108,345,791 gives the same sequence; the c. name uses the placement nearest the transcript's 3' end. VCF-style (leftmost placement, unchanged base first): chr11-108345784-CATGG-C. GRCh37 (hg19) VCF-style: chr11-108216511-CATGG-C.
Other names: c.8464_8467delGATG, p.Asp2822Phefs (NM_000051.3); c.8464_8467del, p.Asp2822fs (NM_001351834.2); c.641-36717_641-36714del (NM_001330368.2); c.695-10496_695-10493del (NM_001351110.2); short protein forms D2822fs.
Identifiers: ClinVar variation 1320097 (VCV001320097.3), dbSNP rs2137027657, ClinGen allele CA2573053418.